The following is an entry in ClinVar:

ClinVar aggregate classification (germline): Pathogenic. Review status: reviewed by expert panel (3 of 4 stars). 21 submissions from 21 submitters: Pathogenic (1). 20 of the submissions do not count toward it. Last evaluated 2024-06-11.

Conditions:
BRCA1-related cancer predisposition. Identifiers: MedGen CN377757, MONDO:0700268.
Inherited breast cancer and ovarian cancer.
Familial cancer of breast. Also called: Hereditary breast cancer; hereditary breast carcinoma; BREAST CANCER, FAMILIAL. Identifiers: Orphanet 227535, MedGen C0346153, MONDO:0016419, OMIM 114480. Disease mechanism: loss of function.
Breast-ovarian cancer, familial, susceptibility to, 1 (BROVCA1). Also called: OVARIAN CANCER, SUSCEPTIBILITY TO; BRCA1 Hereditary Breast and Ovarian Cancer. Identifiers: Orphanet 145, MedGen C2676676, MONDO:0011450, OMIM 604370. Disease mechanism: loss of function.
Pancreatic cancer, susceptibility to, 4. Identifiers: Orphanet 1333, MedGen C3280442, MONDO:0013685, OMIM 614320.
Fanconi anemia, complementation group S (FANCS). Identifiers: MedGen C4554406, MONDO:0054748, OMIM 617883.
Hereditary cancer-predisposing syndrome. Also called: Tumor predisposition; Neoplastic Syndromes, Hereditary; Hereditary Cancer Syndrome; Hereditary neoplastic syndrome. Identifiers: Orphanet 140162, MedGen C0027672, MeSH D009386, MONDO:0015356.
Hereditary breast ovarian cancer syndrome. Also called: Hereditary breast and ovarian cancer syndrome (HBOC); Hereditary breast and ovarian cancer syndrome; Hereditary breast and ovarian cancer; Hereditary breast and/or ovarian cancer syndrome; Breast and ovarian cancer; BRCA1- and BRCA2-Associated Hereditary Breast and Ovarian Cancer. Identifiers: Orphanet 145, MedGen C0677776, MeSH D061325, MONDO:0003582. Disease mechanism: loss of function.
Malignant tumor of breast. Also called: Malignant breast neoplasm; Cancer breast. Identifiers: MedGen C0006142, MONDO:0007254. Disease mechanism: loss of function.

Allele frequency attached by ClinVar (database versions not stated): gnomAD 0.00001; TOPMed 0.00001; gnomAD exomes below 0.00001; ExAC 0.00001.
gnomAD v4.1: 7 of 1,583,254 alleles (0.00044%); highest among the groups gnomAD compares: Non-Finnish European, 0.00061%; no homozygotes.

Submissions 1 to 5 of 22:

ClinGen ENIGMA BRCA1 and BRCA2 Variant Curation Expert Panel, ClinGen
Classification: Pathogenic for BRCA1-related cancer predisposition. Last evaluated: 2024-06-11. Review status: reviewed by expert panel. Criteria: CSpec BRCA1/2ACMG Rules Specifications V1.0. Collection method: curation. Allele origin: germline. Inheritance: Autosomal dominant inheritance.
Comment: The c.135-1G>T variant is an intronic variant within the native acceptor 1,2 splice site occurring in intron 3 of the BRCA1 gene. This variant is present in gnomAD v2.1 (exomes only, non-cancer subset) or gnomAD v3.1 (non-cancer subset) but is below the ENIGMA BRCA1/2 VCEP threshold >0.00002 for BS1_Supporting (PM2_Supporting, BS1, and BA1 are not met). This variant is reported to result in aberrant mRNA splicing. RNAseq demonstrated that the variant impacts splicing by resulting in skipping of exon 4 from the transcript (PMID: 30101128). Appropriate code strength determined by comparison of results to PVS1 decision tree (PVS1 (RNA) met). Reported by one calibrated study to exhibit protein function similar to pathogenic control variants (PMID: 30209399) (PS3 met). Multifactorial likelihood ratio analysis using clinically calibrated data produced a combined LR for this variant of 234999878.51 (based on Cosegregation LR=9528; Pathology LR=2.009; Family History LR=12277.7), above the threshold for Very strong evidence towards pathogenicity (LR >350) (PP4_Very strong met; PMID: 31131967, 31853058). In summary, this variant meets the criteria to be classified as a Pathogenic variant for BRCA1-related cancer predisposition based on the ACMG/AMP criteria applied as specified by the ENIGMA BRCA1/2 VCEP (PVS1 (RNA), PS3, PP4_Very strong).

Labcorp Genetics (formerly Invitae), Labcorp
Classification: Pathogenic for Hereditary breast ovarian cancer syndrome. Last evaluated: 2025-12-02. Review status: criteria provided, single submitter. Criteria: Invitae Variant Classification Sherloc (09022015). Collection method: clinical testing. Allele origin: germline. Not counted in ClinVar's aggregate classification.
Comment: This sequence change affects an acceptor splice site in intron 3 of the BRCA1 gene. RNA analysis indicates that disruption of this splice site induces altered splicing and likely results in a shortened protein product. This variant is present in population databases (rs80358158, gnomAD 0.002%). Disruption of this splice site has been observed in individual(s) with a personal or family history breast cancer (PMID: 9333265, 11179017, 16211554, 18445692, 20020529, 26187060). This variant is also known as IVS4-1G>T and IVS3-1G>T. ClinVar contains an entry for this variant (Variation ID: 37404). Based on a multifactorial likelihood algorithm using genetic, in silico, and/or statistical data, this variant has been determined to have a high probability of being pathogenic (PMID: 20020529). Studies have shown that disruption of this splice site results in skipping of exon 4, but is expected to preserve the integrity of the reading-frame (PMID: 16211554, 24212087; internal data). This variant disrupts the p.Cys64 amino acid residue in BRCA1. Other variant(s) that disrupt this residue have been determined to be pathogenic (PMID: 7894491, 11320250, 15131401, 23867111, 24516540, 26246475, 27257965, 29446198). This suggests that this residue is clinically significant, and that variants that disrupt this residue are likely to be disease-causing. For these reasons, this variant has been classified as Pathogenic.

Genetics Laboratory, Great Ormond Street Hospital NHS Foundation Trust, North Thames Genomic Laboratory Hub
Classification: Pathogenic for Inherited breast cancer and ovarian cancer. Last evaluated: 2025-09-25. Review status: criteria provided, single submitter. Criteria: CanVIG BRCA Gene Specific V1.22. Collection method: clinical testing. Allele origin: germline. Affected: yes. Not counted in ClinVar's aggregate classification.
Comment: PS4_supporting, PM2_supporting, PVS1_strong, PP4_strong

Quest Diagnostics Nichols Institute San Juan Capistrano
Classification: Pathogenic. Last evaluated: 2025-08-14. Review status: criteria provided, single submitter. Criteria: Quest Diagnostics criteria. Collection method: clinical testing. Allele origin: unknown. Not counted in ClinVar's aggregate classification.
Comment: The BRCA1 c.135-1G>T variant disrupts a canonical splice-acceptor site and interferes with normal BRCA1 mRNA splicing. In the published literature, this variant has been reported in multiple individuals and families with breast and/or ovarian cancer (PMIDs: 36451132 (2022), 35464868 (2022), 32885271 (2021), 26187060 (2015), 25452441 (2015), 21324516 (2011), 20020529 (2010), 11179017 (2001), 9333265 (1997)) and at least one individual with prostate cancer (PMID: 18445692 (2008)). In a large-scale breast cancer association study, this variant was observed in a breast cancer case (PMID: 33471991 (2021), see also LOVD). Assessment of experimental analysis yielded inconclusive results regarding the impact of this variant on protein function (PMID: 30209399 (2018)); however, splicing studies have shown that this variant causes an in-frame deletion of exon 5 of the BRCA1 gene (PMIDs: 30101128 (2018), 16211554 (2005)). In addition, this variant has been reported as pathogenic in multifactorial likelihood studies (PMIDs: 31131967 (2019), 20020529 (2010)). The frequency of this variant in the general population (Genome Aggregation Database) is uninformative in the assessment of its pathogenicity. Based on the available information, this variant is classified as pathogenic.

Clinical Genomics Laboratory, Washington University in St. Louis
Classification: Pathogenic for Breast-ovarian cancer, familial, susceptibility to, 1. Last evaluated: 2025-05-02. Review status: criteria provided, single submitter. Criteria: ACMG Guidelines, 2015. Collection method: clinical testing. Allele origin: germline. Affected: yes. Not counted in ClinVar's aggregate classification.
Comment: The BRCA1 c.135-1G>T variant, also published as IVS4-1G>T, has been reported in at least ten individuals affected with BRCA1-related cancer predisposition syndrome (Tesoriero AA et al., PMID: 16211554). Multifactorial likelihood ratio analysis using clinically calibrated data reported that the overall odds for causality for this variant are 28,108:1 (Spurdle AB et al., PMID: 20020529). This variant has been reported in the ClinVar database as a pathogenic germline variant by nineteen submitters, including an expert panel (Variation ID: 37404). This variant is observed in only 2 out of 280,296 alleles in the general population (gnomAD v2.1.1). This variant occurs within a canonical splice acceptor site, which is predicted to cause skipping of the exon, leading to an in-frame transcript. Functional studies show aberrant mRNA splicing, resulting in skipping of exon 4 from the transcript, indicating that this variant impacts protein function (Spurdle AB et al., PMID: 20020529). Other variants in the same splicing site (c.135-2A>G, c.212+1G>T, c.212+1G>C, c.212+2T>C) have been reported as pathogenic (Variation IDs: 125567, 54465, 54464, and 54464, respectively). Based on available information and the ENIGMA BRCA1 and BRCA2 Expert Panel Specifications for BRCA1 variant classification (Parsons MT et al., PMID: 39142283), this variant is classified as pathogenic.

NM_007294.4(BRCA1):c.135-1G>T

Gene: BRCA1 (BRCA1 DNA repair associated; minus strand). Cytogenetic location: 17q21.31.
Variant type: single nucleotide variant.
Coding change: c.135-1G>T on transcript NM_007294.4 (MANE Select); the canonical splice acceptor site of the intron before coding-DNA position 135, G replaced by T.
Molecular consequence: splice acceptor variant. On other transcripts: intron variant (34).
Genome position (GRCh38, 1-based): chr17:43,106,534, C>A on the plus strand (G>T on the coding strand, the complement: BRCA1 is on the minus strand). VCF-style: chr17-43106534-C-A. GRCh37 (hg19) VCF-style: chr17-41258551-C-A.
Other names: IVS3-1G>T; IVS4-1G>T; c.135-1G>T (NM_001407646.1, NM_001408445.1, NM_001408432.1 and 167 more transcripts); c.-169-1578G>T (NM_001407965.1, NM_001407959.1, NM_001407962.1 and 4 more transcripts); c.-7-1G>T (NM_001407930.1, NM_001407843.1, NM_001408456.1 and 99 more transcripts); c.-54-1G>T (NM_001408482.1, NM_001407954.1, NM_001407896.1 and 58 more transcripts); c.135-1578G>T (NM_001407874.1, NM_001408416.1, NM_001408414.1 and 21 more transcripts); c.-218-11674G>T (NM_001407967.1, NM_001407966.1); and 1 more.
Identifiers: ClinVar variation 37404 (VCV000037404.66), dbSNP rs80358158, ClinGen allele CA000895.